The following is an entry in ClinVar:

ClinVar aggregate classification (germline): Pathogenic (1 of 4 stars; one submission).

Conditions:
DICER1-related tumor predisposition. Also called: DICER1-related pleuropulmonary blastoma cancer predisposition syndrome; DICER1 syndrome. Identifiers: Orphanet 284343, MedGen C3839822, MONDO:0100216.

Submission:

Labcorp Genetics (formerly Invitae), Labcorp
Classification: Pathogenic for DICER1-related tumor predisposition. Last evaluated: 2026-01-04. Review status: criteria provided, single submitter. Criteria: Invitae Variant Classification Sherloc (09022015). Collection method: clinical testing. Allele origin: germline.
Comment: This sequence change creates a premature translational stop signal (p.Pro794Leufs*12) in the DICER1 gene. It is expected to result in an absent or disrupted protein product. Loss-of-function variants in DICER1 are known to be pathogenic (PMID: 19556464, 21266384). This variant is not present in population databases (gnomAD no frequency). This variant has not been reported in the literature in individuals affected with DICER1-related conditions. For these reasons, this variant has been classified as Pathogenic.

Literature cited by the submitters: PubMed 19556464; PubMed 21266384.

NM_177438.3(DICER1):c.2379del (p.Pro794fs)

Gene: DICER1 (dicer 1, ribonuclease III; minus strand). Cytogenetic location: 14q32.13.
Variant type: Deletion.
Coding change: c.2379del on transcript NM_177438.3 (MANE Select); coding-DNA position 2379, one base deleted (T; older notation c.2379delT).
Protein change: p.Pro794fs; shifts the reading frame from proline 794.
Molecular consequence: frameshift variant. On other transcripts: non-coding transcript variant (6).
Genome position (GRCh38, 1-based): chr14:95,108,381, A deleted on the plus strand (T on the coding strand, the reverse complement: DICER1 is on the minus strand). VCF-style (leftmost placement, unchanged base first): chr14-95108380-GA-G. GRCh37 (hg19) VCF-style: chr14-95574717-GA-G.
Other names: c.2379del, p.Pro794fs (NM_001195573.1, NM_001271282.3, NM_001291628.2 and 12 more transcripts); c.2097del, p.Pro700fs (NM_001395686.1); c.1974del, p.Pro659fs (NM_001395687.1, NM_001395688.1, NM_001395689.1 and 2 more transcripts); c.1812del, p.Pro605fs (NM_001395691.1); c.696del, p.Pro233fs (NM_001395697.1); short protein forms P605fs, P659fs, P700fs, P794fs, P233fs.
Identifiers: ClinVar variation 4734669 (VCV004734669.1).